The following is an entry in ClinVar:

ClinVar aggregate classification (germline): Pathogenic (1 of 4 stars; one submission).

Conditions:
Very long chain acyl-CoA dehydrogenase deficiency (ACADVLD). Also called: Very Long-Chain Acyl-Coenzyme A Dehydrogenase Deficiency; VLCAD Deficiency. Identifiers: Orphanet 26793, MedGen C3887523, MONDO:0008723, OMIM 201475.

Submission:

Labcorp Genetics (formerly Invitae), Labcorp
Classification: Pathogenic for Very long chain acyl-CoA dehydrogenase deficiency. Last evaluated: 2022-03-01. Review status: criteria provided, single submitter. Criteria: Invitae Variant Classification Sherloc (09022015). Collection method: clinical testing. Allele origin: germline.
Comment: For these reasons, this variant has been classified as Pathogenic. Algorithms developed to predict the effect of sequence changes on RNA splicing suggest that this variant may disrupt the consensus splice site. This sequence change creates a premature translational stop signal (p.Ile552*) in the ACADVL gene. It is expected to result in an absent or disrupted protein product. Loss-of-function variants in ACADVL are known to be pathogenic (PMID: 9973285, 11590124). This variant is not present in population databases (gnomAD no frequency). This variant has not been reported in the literature in individuals affected with ACADVL-related conditions.

Literature cited by the submitters: PubMed 9973285; PubMed 11590124.

NM_000018.4(ACADVL):c.1652_1653dup (p.Ile552Ter)

Gene: ACADVL (acyl-CoA dehydrogenase very long chain; plus strand). Cytogenetic location: 17p13.1.
Variant type: Duplication.
Coding change: c.1652_1653dup on transcript NM_000018.4 (MANE Select); coding-DNA positions 1652 to 1653, 2 bases duplicated (TG; older notation c.1652_1653dupTG).
Protein change: p.Ile552Ter; replaces isoleucine 552 with a stop codon.
Molecular consequence: nonsense.
Genome position (GRCh38, 1-based): chr17:7,224,526-7,224,527, TG duplicated. VCF-style (leftmost placement, unchanged base first): chr17-7224525-C-CTG. GRCh37 (hg19) VCF-style: chr17-7127844-C-CTG.
Other names: c.1586_1587dup, p.Ile530Ter (NM_001033859.3); c.1721_1722dup, p.Ile575Ter (NM_001270447.2); c.1424_1425dup, p.Ile476Ter (NM_001270448.2); short protein forms I552*, I530*, I476*, I575*.
Identifiers: ClinVar variation 2104994 (VCV002104994.4), dbSNP rs2508361920, ClinGen allele CA2580094847.